The following is an entry in ClinVar:

NM_001692.4(ATP6V1B1):c.184T>C (p.Tyr62His)

Gene: ATP6V1B1 (ATPase H+ transporting V1 subunit B1; plus strand). Cytogenetic location: 2p13.3.
Variant type: single nucleotide variant.
Coding change: c.184T>C on transcript NM_001692.4 (MANE Select); coding-DNA position 184, T replaced by C.
Protein change: p.Tyr62His; replaces tyrosine 62 with histidine.
Molecular consequence: missense variant.
Genome position (GRCh38, 1-based): chr2:70,958,055, T>C. VCF-style: chr2-70958055-T-C. GRCh37 (hg19) VCF-style: chr2-71185185-T-C.
Other names: short protein forms Y62H.
Identifiers: ClinVar variation 4526841 (VCV004526841.1).

ClinVar aggregate classification (germline): Uncertain significance (1 of 4 stars; one submission).

Conditions:
Renal tubular acidosis with progressive nerve deafness. Also called: RENAL TUBULAR ACIDOSIS, AUTOSOMAL RECESSIVE, WITH PROGRESSIVE NERVE DEAFNESS; RTA WITH PROGRESSIVE NERVE DEAFNESS; Distal Renal Tubular Acidosis with Progressive Sensorineural Deafness; renal tubular acidosis, distal, 2, with progressive sensorineural hearing loss. Identifiers: MedGen C0403554, MONDO:0009968, OMIM 267300.

gnomAD v4.1: 1 of 1,613,962 alleles (0.000062%); no homozygotes.

Submission:

Rare Kidney Stone Consortium and the Mayo Clinic Hyperoxaluria Center, Mayo Clinic
Classification: Uncertain significance for Renal tubular acidosis with progressive nerve deafness. Last evaluated: 2025-10-03. Review status: criteria provided, single submitter. Criteria: ACMG Guidelines, 2015. Collection method: research. Allele origin: germline. Observed: 1 variant allele.
Comment: ACMG:PM1, PM2, PP3

Literature cited by the submitters: PubMed 40794449.